The following is an entry in ClinVar:

ClinVar aggregate classification (germline): Pathogenic (1 of 4 stars; one submission).

Submission:

Labcorp Genetics (formerly Invitae), Labcorp
Classification: Pathogenic. Last evaluated: 2021-07-26. Review status: criteria provided, single submitter. Criteria: Invitae Variant Classification Sherloc (09022015). Collection method: clinical testing. Allele origin: germline.
Comment: For these reasons, this variant has been classified as Pathogenic. This variant has not been reported in the literature in individuals affected with TTLL5-related conditions. This variant is not present in population databases (ExAC no frequency). This sequence change creates a premature translational stop signal (p.Cys963Leufs*22) in the TTLL5 gene. It is expected to result in an absent or disrupted protein product. Loss-of-function variants in TTLL5 are known to be pathogenic (PMID: 24791901, 27162334).

Literature cited by the submitters: PubMed 24791901; PubMed 27162334.

NM_015072.5(TTLL5):c.2885dup (p.Cys963fs)

Gene: TTLL5 (tubulin tyrosine ligase like 5; plus strand). Cytogenetic location: 14q24.3.
Variant type: Duplication.
Coding change: c.2885dup on transcript NM_015072.5 (MANE Select); coding-DNA position 2885, one base duplicated (G; older notation c.2885dupG).
Protein change: p.Cys963fs; shifts the reading frame from cysteine 963.
Molecular consequence: frameshift variant.
Genome position (GRCh38, 1-based): chr14:75,783,429, G duplicated. VCF-style (leftmost placement, unchanged base first): chr14-75783428-C-CG. GRCh37 (hg19) VCF-style: chr14-76249771-C-CG.
Other names: short protein forms C963fs.
Identifiers: ClinVar variation 1436956 (VCV001436956.6), dbSNP rs2140331555, ClinGen allele CA2573150222.